The following is an entry in ClinVar:

ClinVar aggregate classification (germline): Uncertain significance (1 of 4 stars; one submission).

Submission:

Labcorp Genetics (formerly Invitae), Labcorp
Classification: Uncertain significance. Last evaluated: 2025-07-16. Review status: criteria provided, single submitter. Criteria: Invitae Variant Classification Sherloc (09022015). Collection method: clinical testing. Allele origin: germline.
Comment: This sequence change replaces proline, which is neutral and non-polar, with arginine, which is basic and polar, at codon 478 of the ANKZF1 protein (p.Pro478Arg). This variant is not present in population databases (gnomAD no frequency). This variant has not been reported in the literature in individuals affected with ANKZF1-related conditions. An algorithm developed to predict the effect of missense changes on protein structure and function (PolyPhen-2) suggests that this variant is likely to be tolerated. In summary, the available evidence is currently insufficient to determine the role of this variant in disease. Therefore, it has been classified as a Variant of Uncertain Significance.

NM_018089.3(ANKZF1):c.1433C>G (p.Pro478Arg)

Gene: ANKZF1 (ankyrin repeat and zinc finger peptidyl tRNA hydrolase 1; plus strand). Cytogenetic location: 2q35.
Variant type: single nucleotide variant.
Coding change: c.1433C>G on transcript NM_018089.3 (MANE Select); coding-DNA position 1433, C replaced by G.
Protein change: p.Pro478Arg; replaces proline 478 with arginine.
Molecular consequence: missense variant.
Genome position (GRCh38, 1-based): chr2:219,235,054, C>G. VCF-style: chr2-219235054-C-G. GRCh37 (hg19) VCF-style: chr2-220099776-C-G.
Other names: c.1433C>G, p.Pro478Arg (NM_001042410.2); c.803C>G, p.Pro268Arg (NM_001282792.2); short protein forms P478R, P268R.
Identifiers: ClinVar variation 4694846 (VCV004694846.1).
Genomic context (GRCh38, chr2:219,235,054, plus strand): 5'-TTCTCCAGCAAACTCAAGAAGAGGAGCCTTCCACACAGTCATCCCAGGCAGTTGCTGCCC[C>G]CTTGGGCCCTTTGCTGGATGAGGCCAAAGCCCCTGGTCAGCCAGAGCTCTGGAATGCACT-3'
Protein context (NP_060559.2, residues 468-488): STQSSQAVAA[Pro478Arg]LGPLLDEAKA